The following is an entry in ClinVar:

NM_001110556.2(FLNA):c.1319G>C (p.Ser440Thr)

Gene: FLNA (filamin A; minus strand). Cytogenetic location: Xq28.
Variant type: single nucleotide variant.
Coding change: c.1319G>C on transcript NM_001110556.2 (MANE Select); coding-DNA position 1319, G replaced by C.
Protein change: p.Ser440Thr; replaces serine 440 with threonine.
Molecular consequence: missense variant.
Genome position (GRCh38, 1-based): chrX:154,366,134, C>G on the plus strand (G>C on the coding strand, the complement: FLNA is on the minus strand). VCF-style: chrX-154366134-C-G. GRCh37 (hg19) VCF-style: chrX-153594502-C-G.
Other names: c.1319G>C, p.Ser440Thr (NM_001456.4); short protein forms S440T.
Identifiers: ClinVar variation 571446 (VCV000571446.11), dbSNP rs782649138, ClinGen allele CA415243836.

ClinVar aggregate classification (germline): Uncertain significance (1 of 4 stars; one submission).

Conditions:
Heterotopia, periventricular, X-linked dominant (PVNH1). Also called: PERIVENTRICULAR NODULAR HETEROTOPIA 4; HETEROTOPIA, PERIVENTRICULAR, 1; PERIVENTRICULAR NODULAR HETEROTOPIA 1; X-linked periventricular heterotopia. Identifiers: Orphanet 2149, Orphanet 82004, MedGen C1848213, MONDO:0010233, OMIM 300049.
Melnick-Needles syndrome (MNS). Also called: Melnick-Needles Syndrome (FLNA-MNS); MELNICK-NEEDLES OSTEODYSPLASTY; OSTEODYSPLASTY OF MELNICK AND NEEDLES. Identifiers: Orphanet 2484, MedGen C0025237, MONDO:0010650, OMIM 309350.
Frontometaphyseal dysplasia (FMD1). Identifiers: Orphanet 1826, MedGen C0265293, MONDO:0015942.
Oto-palato-digital syndrome, type II (OPD2). Also called: Otopalatodigital Syndrome Type 2 (FLNA-OPD2); Otopalatodigital Syndrome, Type II; FACIOPALATOOSSEOUS SYNDROME; OPD II SYNDROME. Identifiers: Orphanet 669, Orphanet 90652, MedGen C1844696, MONDO:0010571, OMIM 304120.

gnomAD v4.1: 1 of 1,210,322 alleles (0.000083%); no homozygotes.

Submission:

Labcorp Genetics (formerly Invitae), Labcorp
Classification: Uncertain significance for Oto-palato-digital syndrome, type II; Heterotopia, periventricular, X-linked dominant; Frontometaphyseal dysplasia; Melnick-Needles syndrome. Last evaluated: 2022-06-04. Review status: criteria provided, single submitter. Criteria: Invitae Variant Classification Sherloc (09022015). Collection method: clinical testing. Allele origin: germline.
Comment: This variant is not present in population databases (gnomAD no frequency). In summary, the available evidence is currently insufficient to determine the role of this variant in disease. Therefore, it has been classified as a Variant of Uncertain Significance. Advanced modeling of protein sequence and biophysical properties (such as structural, functional, and spatial information, amino acid conservation, physicochemical variation, residue mobility, and thermodynamic stability) performed at Invitae indicates that this missense variant is not expected to disrupt FLNA protein function. ClinVar contains an entry for this variant (Variation ID: 571446). This variant has not been reported in the literature in individuals affected with FLNA-related conditions. This sequence change replaces serine, which is neutral and polar, with threonine, which is neutral and polar, at codon 440 of the FLNA protein (p.Ser440Thr).